The following is an entry in ClinVar:

ClinVar aggregate classification (germline): Likely benign (1 of 4 stars; one submission).

Submission:

GeneDx
Classification: Likely benign. Last evaluated: 2018-06-20. Review status: criteria provided, single submitter. Criteria: GeneDx Variant Classification (06012015). Collection method: clinical testing. Allele origin: germline. Affected: yes.
Comment: This variant is considered likely benign or benign based on one or more of the following criteria: it is a conservative change, it occurs at a poorly conserved position in the protein, it is predicted to be benign by multiple in silico algorithms, and/or has population frequency not consistent with disease.

NM_001267550.2(TTN):c.32263GAA[2] (p.Glu10757del)

Gene: TTN (titin; minus strand). Cytogenetic location: 2q31.2.
Variant type: Microsatellite.
Coding change: c.32263GAA[2] on transcript NM_001267550.2 (MANE Select); two copies in a row of the 3-base unit GAA starting at c.32263; the reference has three copies in a row; one copy, 3 bases deleted.
Protein change: p.Glu10757del; deletes glutamic acid 10757.
Molecular consequence: inframe deletion. On other transcripts: intron variant (3).
Genome position (GRCh38, 1-based): chr2:178,688,151-178,688,153, TTC deleted on the plus strand (GAA on the coding strand, the reverse complement: TTN is on the minus strand); deleting any 3 consecutive bases within chr2:178,688,151-178,688,160 gives the same sequence; the position shown is the placement nearest the transcript's 3' end. VCF-style (leftmost placement, unchanged base first): chr2-178688150-TTTC-T. GRCh37 (hg19) VCF-style: chr2-179552877-TTTC-T.
Other names: c.31318_31320delGAA (NM_001256850.1); c.31312GAA[2], p.Glu10440del (NM_001256850.1); c.28531GAA[2], p.Glu9513del (NM_133378.4); c.13283-45842GAA[2] (NM_003319.4); c.13859-45842GAA[2] (NM_133437.4); c.13658-45842GAA[2] (NM_133432.3); short protein forms E10440del, E9513del, E10757del.
Identifiers: ClinVar variation 672197 (VCV000672197.1), dbSNP rs765140449, ClinGen allele CA1998678.